The following is an entry in ClinVar:

NM_021625.5(TRPV4):c.*230G>A

Gene: TRPV4 (transient receptor potential cation channel subfamily V member 4; minus strand). Cytogenetic location: 12q24.11.
Variant type: single nucleotide variant.
Coding change: c.*230G>A on transcript NM_021625.5 (MANE Select); 230 bases downstream of the stop codon, G replaced by A.
Molecular consequence: 3 prime UTR variant.
Genome position (GRCh38, 1-based): chr12:109,783,391, C>T on the plus strand (G>A on the coding strand, the complement: TRPV4 is on the minus strand). VCF-style: chr12-109783391-C-T. GRCh37 (hg19) VCF-style: chr12-110221196-C-T.
Other names: c.*230G>A (NM_001177428.2, NM_001177431.2, NM_001177433.2 and 1 more transcripts).
Identifiers: ClinVar variation 307117 (VCV000307117.5), dbSNP rs181542514, ClinGen allele CA10640139.

ClinVar aggregate classification (germline): Benign. Review status: criteria provided, single submitter (1 of 4 stars). 6 submissions from 1 submitter: Benign (6). Last evaluated 2018-01-13.

Conditions:
Scapuloperoneal spinal muscular atrophy (SPSMA). Also called: Scapuloperoneal Spinal Muscular Atrophy, TRPV4-Related; AMYOTROPHY, NEUROGENIC SCAPULOPERONEAL, NEW ENGLAND TYPE; Scapuloperoneal Form of Spinal Muscular Atrophy; Scapuloperoneal spinal muscular atrophy, autosomal dominant. Identifiers: Orphanet 431255, MedGen C0751335, MONDO:0008408, OMIM 181405.
Charcot-Marie-Tooth disease axonal type 2C (HMSN2C). Also called: Charcot-Marie-Tooth Disease Type 2, TRPV4-Related (CMT2C); CHARCOT-MARIE-TOOTH DISEASE, AXONAL, AUTOSOMAL DOMINANT, TYPE 2C; Charcot-Marie-Tooth Neuropathy Type 2C. Identifiers: Orphanet 99937, MedGen C1853710, MONDO:0011633, OMIM 606071.
Metatropic dysplasia (MTD). Also called: Metatropic Dysplasia, TRPV4-Related; METATROPIC DWARFISM; Metatropic dysplasia, nonlethal dominant. Identifiers: Orphanet 2635, MedGen C0265281, MONDO:0007986, OMIM 156530.
Brachyrachia (short spine dysplasia) (BCYM3). Also called: BRACHYRACHIA; Autosomal dominant brachyolmia; Brachyolmia, TRPV4-Related; Brachyolmia Type 3. Identifiers: Orphanet 93304, MedGen C0432227, MONDO:0007232, OMIM 113500.
Spondylometaphyseal dysplasia, Kozlowski type (SMDK). Also called: Dysmorphism arthrogryposis skeletal maturation advanced; Jequier-Kozlowski syndrome; Skeletal dysplasia Jequier-Kozlowski type; SMD Kozlowski type; Spondylometaphyseal Dysplasia, TRPV4-Related (Kozlowski Type). Identifiers: Orphanet 93314, MedGen C0265280, MONDO:0008477, OMIM 184252.
Neuronopathy, distal hereditary motor, autosomal dominant 8. Also called: Autosomal dominant congenital benign spinal muscular atrophy; SPINAL MUSCULAR ATROPHY, CONGENITAL BENIGN, WITH CONTRACTURES; NEURONOPATHY, DISTAL HEREDITARY MOTOR, TYPE VIII; NEUROPATHY, DISTAL HEREDITARY MOTOR, TYPE VIII. Identifiers: Orphanet 1216, MedGen C1838492, MONDO:0010839, OMIM 600175.

Allele frequency attached by ClinVar (database versions not stated): gnomAD 0.00164 and 0.00171; TOPMed 0.00208; 1000 Genomes Project 0.00280; 1000 Genomes Project 30x 0.00297.
gnomAD v4.1: 345 of 530,902 alleles (0.065%); highest among the groups gnomAD compares: African/African-American, 0.63%; 3 homozygotes.

Submissions (6):

Illumina Laboratory Services, Illumina
Classification: Benign for Charcot-Marie-Tooth disease axonal type 2C. Last evaluated: 2018-01-13. Review status: criteria provided, single submitter. Criteria: ICSL Variant Classification Criteria 13 December 2019. Collection method: clinical testing. Allele origin: germline.
Comment: This variant was observed in the ICSL laboratory as part of a predisposition screen in an ostensibly healthy population. It had not been previously curated by ICSL or reported in the Human Gene Mutation Database (HGMD: prior to June 1st, 2018), and was therefore a candidate for classification through an automated scoring system. Utilizing variant allele frequency, disease prevalence and penetrance estimates, and inheritance mode, an automated score was calculated to assess if this variant is too frequent to cause the disease. Based on the score and internal cut-off values, a variant classified as benign is not then subjected to further curation. The score for this variant resulted in a classification of benign for this disease.

Illumina Laboratory Services, Illumina
Classification: Benign for Metatropic dysplasia. Last evaluated: 2018-01-13. Review status: criteria provided, single submitter. Criteria: ICSL Variant Classification Criteria 13 December 2019. Collection method: clinical testing. Allele origin: germline.
Comment: the same text as in the submission from Illumina Laboratory Services, Illumina above.

Illumina Laboratory Services, Illumina
Classification: Benign for Brachyrachia (short spine dysplasia). Last evaluated: 2018-01-13. Review status: criteria provided, single submitter. Criteria: ICSL Variant Classification Criteria 13 December 2019. Collection method: clinical testing. Allele origin: germline.
Comment: the same text as in the submission from Illumina Laboratory Services, Illumina above.

Illumina Laboratory Services, Illumina
Classification: Benign for Spondylometaphyseal dysplasia, Kozlowski type. Last evaluated: 2018-01-13. Review status: criteria provided, single submitter. Criteria: ICSL Variant Classification Criteria 13 December 2019. Collection method: clinical testing. Allele origin: germline.
Comment: the same text as in the submission from Illumina Laboratory Services, Illumina above.

Illumina Laboratory Services, Illumina
Classification: Benign for Neuronopathy, distal hereditary motor, autosomal dominant 8. Last evaluated: 2018-01-13. Review status: criteria provided, single submitter. Criteria: ICSL Variant Classification Criteria 13 December 2019. Collection method: clinical testing. Allele origin: germline.
Comment: the same text as in the submission from Illumina Laboratory Services, Illumina above.

Illumina Laboratory Services, Illumina
Classification: Benign for Scapuloperoneal spinal muscular atrophy. Last evaluated: 2018-01-13. Review status: criteria provided, single submitter. Criteria: ICSL Variant Classification Criteria 13 December 2019. Collection method: clinical testing. Allele origin: germline.
Comment: the same text as in the submission from Illumina Laboratory Services, Illumina above.